The following is an entry in ClinVar:

ClinVar aggregate classification (germline): Conflicting classifications of pathogenicity. Review status: criteria provided, conflicting classifications (1 of 4 stars). 3 submissions from 3 submitters: Uncertain significance (2); Benign (1). Last evaluated 2025-03-17.

Conditions:
Neuronal ceroid lipofuscinosis. Also called: Neuronal Ceroid Lipofuscinoses. Identifiers: Orphanet 216, Orphanet 79263, MedGen C0027877, MONDO:0016295. Disease mechanism: loss of function.

Allele frequency attached by ClinVar (database versions not stated): gnomAD 0.00004; gnomAD exomes 0.00006 and 0.00015; TOPMed 0.00010; ESP Exome Variant Server 0.00015; ExAC 0.00033.
gnomAD v4.1: 96 of 1,610,420 alleles (0.006%); highest among the groups gnomAD compares: Non-Finnish European, 0.0076%; no homozygotes.

Submissions (3):

Women's Health and Genetics/Laboratory Corporation of America, LabCorp
Classification: Uncertain significance. Last evaluated: 2025-03-17. Review status: criteria provided, single submitter. Criteria: LabCorp Variant Classification Summary - May 2015. Collection method: clinical testing. Allele origin: germline.

Labcorp Genetics (formerly Invitae), Labcorp
Classification: Uncertain significance for Neuronal ceroid lipofuscinosis. Last evaluated: 2022-09-13. Review status: criteria provided, single submitter. Criteria: Invitae Variant Classification Sherloc (09022015). Collection method: clinical testing. Allele origin: germline.
Comment: This sequence change falls in intron 5 of the CTSD gene. It does not directly change the encoded amino acid sequence of the CTSD protein. It affects a nucleotide within the consensus splice site. This variant is present in population databases (rs370847523, gnomAD 0.03%). This variant has not been reported in the literature in individuals affected with CTSD-related conditions. ClinVar contains an entry for this variant (Variation ID: 137061). Variants that disrupt the consensus splice site are a relatively common cause of aberrant splicing (PMID: 17576681, 9536098). Algorithms developed to predict the effect of sequence changes on RNA splicing suggest that this variant is not likely to affect RNA splicing. In summary, the available evidence is currently insufficient to determine the role of this variant in disease. Therefore, it has been classified as a Variant of Uncertain Significance.

GeneDx
Classification: Benign. Last evaluated: 2014-01-30. Review status: criteria provided, single submitter. Criteria: GeneDx Variant Classification (06012015). Collection method: clinical testing. Allele origin: germline. Affected: yes.
Comment: This variant is considered likely benign or benign based on one or more of the following criteria: it is a conservative change, it occurs at a poorly conserved position in the protein, it is predicted to be benign by multiple in silico algorithms, and/or has population frequency not consistent with disease.

Literature cited by the submitters: PubMed 17576681 (cited by Labcorp Genetics (formerly Invitae), Labcorp); PubMed 9536098 (cited by Labcorp Genetics (formerly Invitae), Labcorp).

NM_001909.5(CTSD):c.704+6C>T

Gene: CTSD (cathepsin D; minus strand). Cytogenetic location: 11p15.5.
Variant type: single nucleotide variant.
Coding change: c.704+6C>T on transcript NM_001909.5 (MANE Select); 6 bases into the intron after coding-DNA position 704, C replaced by T.
Molecular consequence: intron variant.
Genome position (GRCh38, 1-based): chr11:1,757,318, G>A on the plus strand (C>T on the coding strand, the complement: CTSD is on the minus strand). VCF-style: chr11-1757318-G-A. GRCh37 (hg19) VCF-style: chr11-1778548-G-A.
Identifiers: ClinVar variation 137061 (VCV000137061.7), dbSNP rs370847523, ClinGen allele CA290557.